The following is an entry in ClinVar:

NM_003737.4(DCHS1):c.8612G>A (p.Arg2871Gln)

Gene: DCHS1 (dachsous cadherin-related 1; minus strand). Cytogenetic location: 11p15.4.
Variant type: single nucleotide variant.
Coding change: c.8612G>A on transcript NM_003737.4 (MANE Select); coding-DNA position 8612, G replaced by A.
Protein change: p.Arg2871Gln; replaces arginine 2871 with glutamine.
Molecular consequence: missense variant.
Genome position (GRCh38, 1-based): chr11:6,623,064, C>T on the plus strand (G>A on the coding strand, the complement: DCHS1 is on the minus strand). VCF-style: chr11-6623064-C-T. GRCh37 (hg19) VCF-style: chr11-6644295-C-T.
Other names: short protein forms R2871Q.
Identifiers: ClinVar variation 2985193 (VCV002985193.4), dbSNP rs148710242, ClinGen allele CA5859394.
Genomic context (GRCh38, chr11:6,623,064, plus strand): 5'-CGGGTCCGGCCCCCACCCCCAGAGGTGGCTGTTCCGCTGCCTGGTGCCCGACTGTCCACC[C>T]GCAGGTACAGGGCTCCTGTAGTCTGGTTAATACCAAAATAGGGGGAAGAGGTGGCAAGGG-3'
Protein context (NP_003728.1, residues 2861-2881): INQTTGALYL[Arg2871Gln]VDSRAPGSGT

ClinVar aggregate classification (germline): Conflicting classifications of pathogenicity. Review status: criteria provided, conflicting classifications (1 of 4 stars). 2 submissions from 2 submitters: Uncertain significance (1); Likely benign (1). Last evaluated 2026-03-13.

Conditions:
Van Maldergem syndrome 1 (VMLDS1). Also called: Van Maldergem syndrome 1 (VMLDS1). Identifiers: Orphanet 314679, MedGen C4551950, MONDO:0011070, OMIM 601390.

Allele frequency attached by ClinVar (database versions not stated): ExAC 0.00006; ESP Exome Variant Server 0.00015.
gnomAD v4.1: 20 of 1,585,178 alleles (0.0013%); highest among the groups gnomAD compares: Non-Finnish European, 0.0016%; no homozygotes.

Submissions (2):

Centre for Medical Genetics,  Mumbai
Classification: Likely benign for Van Maldergem syndrome 1. Last evaluated: 2026-03-13. Review status: criteria provided, single submitter. Criteria: ACMG Guidelines, 2015. Collection method: provider interpretation. Allele origin: germline. Inheritance: Autosomal recessive inheritance. Affected: no. Observed: 1 variant allele, 1 homozygote.
Comment: The variant satisfies PM2 criteria; Extremely low frequency in gnomAD population databases. However, the variant satisfies BS2 criteria.

Labcorp Genetics (formerly Invitae), Labcorp
Classification: Uncertain significance. Last evaluated: 2026-01-08. Review status: criteria provided, single submitter. Criteria: Invitae Variant Classification Sherloc (09022015). Collection method: clinical testing. Allele origin: germline.
Comment: This sequence change replaces arginine, which is basic and polar, with glutamine, which is neutral and polar, at codon 2871 of the DCHS1 protein (p.Arg2871Gln). The frequency data for this variant in the population databases is considered unreliable, as metrics indicate poor data quality at this position in the gnomAD database. This variant has not been reported in the literature in individuals affected with DCHS1-related conditions. ClinVar contains an entry for this variant (Variation ID: 2985193). An algorithm developed to predict the effect of missense changes on protein structure and function outputs the following: PolyPhen-2: "Benign". The glutamine amino acid residue is found in multiple mammalian species, which suggests that this missense change does not adversely affect protein function. In summary, the available evidence is currently insufficient to determine the role of this variant in disease. Therefore, it has been classified as a Variant of Uncertain Significance.

Literature cited by the submitters: PubMed 24056717 (cited by Centre for Medical Genetics,  Mumbai).